The following is an entry in ClinVar:

NM_194248.3(OTOF):c.2076G>T (p.Arg692=)

Gene: OTOF (otoferlin; minus strand). Cytogenetic location: 2p23.3.
Variant type: single nucleotide variant.
Coding change: c.2076G>T on transcript NM_194248.3 (MANE Select); coding-DNA position 2076, G replaced by T.
Protein change: p.Arg692=; no amino-acid change (arginine 692 retained).
Molecular consequence: synonymous variant.
Genome position (GRCh38, 1-based): chr2:26,479,490, C>A on the plus strand (G>T on the coding strand, the complement: OTOF is on the minus strand). VCF-style: chr2-26479490-C-A. GRCh37 (hg19) VCF-style: chr2-26702358-C-A.
Other names: c.2076G>T, p.Arg692= (NM_001287489.2).
Identifiers: ClinVar variation 515790 (VCV000515790.16), dbSNP rs138769870, ClinGen allele CA1564076.

ClinVar aggregate classification (germline): Benign/Likely benign. Review status: criteria provided, multiple submitters, no conflicts (2 of 4 stars). 5 submissions from 5 submitters: Benign (1); Likely benign (3). 1 of the submissions does not count toward it. Last evaluated 2026-01-28.

Conditions:
OTOF-related disorder. Also called: OTOF-related condition.

Allele frequency attached by ClinVar (database versions not stated): 1000 Genomes Project 0.00060; 1000 Genomes Project 30x 0.00062; gnomAD 0.00064 and 0.00073; TOPMed 0.00074; ESP Exome Variant Server 0.00054.
gnomAD v4.1: 171 of 1,601,428 alleles (0.011%); highest among the groups gnomAD compares: African/African-American, 0.21%; 1 homozygote.

Submissions (5):

Labcorp Genetics (formerly Invitae), Labcorp
Classification: Benign. Last evaluated: 2026-01-28. Review status: criteria provided, single submitter. Criteria: Invitae Variant Classification Sherloc (09022015). Collection method: clinical testing. Allele origin: germline.

Blueprint Genetics
Classification: Likely benign. Last evaluated: 2024-06-05. Review status: criteria provided, single submitter. Criteria: ACMG Guidelines, 2015. Collection method: clinical testing. Allele origin: germline.

GeneDx
Classification: Likely benign. Last evaluated: 2020-11-19. Review status: criteria provided, single submitter. Criteria: GeneDx Variant Classification Process June 2021. Collection method: clinical testing. Allele origin: germline. Affected: yes.

Laboratory for Molecular Medicine, Mass General Brigham Personalized Medicine
Classification: Likely benign. Last evaluated: 2012-04-30. Review status: criteria provided, single submitter. Criteria: LMM Criteria. Collection method: clinical testing. Allele origin: germline. Observed: 1 variant allele.
Comment: Arg692Arg in Exon 17 of OTOF: This variant is not expected to have clinical sign ificance because it does not alter an amino acid residue, is not located within the splice consensus sequence, and has been identified in 0.1% (4/3690) of Afric an American chromosomes from a broad population by the NHLBI Exome Sequencing Pr oject (dbSNP rs138769870).

PreventionGenetics, part of Exact Sciences
Classification: Likely benign for OTOF-related condition. Last evaluated: 2024-06-17. Review status: no assertion criteria provided. Collection method: clinical testing. Allele origin: germline. Not counted in ClinVar's aggregate classification.
Comment: This variant is classified as likely benign based on ACMG/AMP sequence variant interpretation guidelines (Richards et al. 2015 PMID: 25741868, with internal and published modifications).